The following is an entry in ClinVar:

ClinVar aggregate classification (germline): Uncertain significance (1 of 4 stars; one submission).

Conditions:
Duchenne muscular dystrophy (DMD). Also called: Duchenne Muscular Dystrophy (DMD); MUSCULAR DYSTROPHY, PSEUDOHYPERTROPHIC PROGRESSIVE, DUCHENNE TYPE. Identifiers: Orphanet 98896, MedGen C0013264, MONDO:0010679, OMIM 310200.

gnomAD v4.1: 1 of 1,194,671 alleles (0.000084%); highest among the groups gnomAD compares: Non-Finnish European, 0.00011%; no homozygotes.

Submission:

Labcorp Genetics (formerly Invitae), Labcorp
Classification: Uncertain significance for Duchenne muscular dystrophy. Last evaluated: 2025-04-27. Review status: criteria provided, single submitter. Criteria: Invitae Variant Classification Sherloc (09022015). Collection method: clinical testing. Allele origin: germline.
Comment: This sequence change replaces serine, which is neutral and polar, with isoleucine, which is neutral and non-polar, at codon 1104 of the DMD protein (p.Ser1104Ile). This variant is not present in population databases (gnomAD no frequency). This variant has not been reported in the literature in individuals affected with DMD-related conditions. Invitae Evidence Modeling of protein sequence and biophysical properties (such as structural, functional, and spatial information, amino acid conservation, physicochemical variation, residue mobility, and thermodynamic stability) indicates that this missense variant is not expected to disrupt DMD protein function with a negative predictive value of 95%. In summary, the available evidence is currently insufficient to determine the role of this variant in disease. Therefore, it has been classified as a Variant of Uncertain Significance.

NM_004006.3(DMD):c.3311G>T (p.Ser1104Ile)

Gene: DMD (dystrophin; minus strand). Cytogenetic location: Xp21.1.
Variant type: single nucleotide variant.
Coding change: c.3311G>T on transcript NM_004006.3 (MANE Select); coding-DNA position 3311, G replaced by T.
Protein change: p.Ser1104Ile; replaces serine 1104 with isoleucine.
Molecular consequence: missense variant.
Genome position (GRCh38, 1-based): chrX:32,463,560, C>A on the plus strand (G>T on the coding strand, the complement: DMD is on the minus strand). VCF-style: chrX-32463560-C-A. GRCh37 (hg19) VCF-style: chrX-32481677-C-A.
Other names: c.3287G>T, p.Ser1096Ile (NM_000109.4); c.3299G>T, p.Ser1100Ile (NM_004009.3); c.2942G>T, p.Ser981Ile (NM_004010.3); short protein forms S1096I, S1100I, S1104I, S981I.
Identifiers: ClinVar variation 4800973 (VCV004800973.1).